The following is an entry in ClinVar:

ClinVar aggregate classification (germline): Uncertain significance (1 of 4 stars; one submission).

Conditions:
Neurofibromatosis, type 1 (NF1). Also called: VON RECKLINGHAUSEN DISEASE; Neurofibromatosis, type I; NEUROFIBROMATOSIS, TYPE I, SOMATIC; Peripheral type neurofibromatosis. Identifiers: Orphanet 636, MedGen C0027831, MONDO:0018975, OMIM 162200. Disease mechanism: loss of function.

Submission:

Labcorp Genetics (formerly Invitae), Labcorp
Classification: Uncertain significance for Neurofibromatosis, type 1. Last evaluated: 2025-10-13. Review status: criteria provided, single submitter. Criteria: Invitae Variant Classification Sherloc (09022015). Collection method: clinical testing. Allele origin: germline.
Comment: This sequence change replaces arginine, which is basic and polar, with threonine, which is neutral and polar, at codon 2032 of the NF1 protein (p.Arg2032Thr). This variant is not present in population databases (gnomAD no frequency). This variant has not been reported in the literature in individuals affected with NF1-related conditions. ClinVar contains an entry for this variant (Variation ID: 647367). Invitae Evidence Modeling of protein sequence and biophysical properties (such as structural, functional, and spatial information, amino acid conservation, physicochemical variation, residue mobility, and thermodynamic stability) indicates that this missense variant is expected to disrupt NF1 protein function with a positive predictive value of 95%. In summary, the available evidence is currently insufficient to determine the role of this variant in disease. Therefore, it has been classified as a Variant of Uncertain Significance.

NM_001042492.3(NF1):c.6158G>C (p.Arg2053Thr)

Gene: NF1 (neurofibromin 1; plus strand). Cytogenetic location: 17q11.2.
Variant type: single nucleotide variant.
Coding change: c.6158G>C on transcript NM_001042492.3 (MANE Select); coding-DNA position 6158, G replaced by C.
Protein change: p.Arg2053Thr; replaces arginine 2053 with threonine.
Molecular consequence: missense variant.
Genome position (GRCh38, 1-based): chr17:31,336,645, G>C. VCF-style: chr17-31336645-G-C. GRCh37 (hg19) VCF-style: chr17-29663663-G-C.
Other names: c.6095G>C, p.Arg2032Thr (NM_000267.4); short protein forms R2053T, R2032T.
Identifiers: ClinVar variation 647367 (VCV000647367.5), dbSNP rs1060500289, ClinGen allele CA399011709.